The following is an entry in ClinVar:

ClinVar aggregate classification (germline): Conflicting classifications of pathogenicity. Review status: criteria provided, conflicting classifications (1 of 4 stars). 2 submissions from 2 submitters: Uncertain significance (1); Likely benign (1). Last evaluated 2025-08-06.

Allele frequency attached by ClinVar (database versions not stated): gnomAD exomes 0.00011; TOPMed 0.00011; gnomAD 0.00019; ESP Exome Variant Server 0.00023; ExAC 0.00025.
gnomAD v4.1: 180 of 1,605,854 alleles (0.011%); highest among the groups gnomAD compares: Middle Eastern, 0.017%; no homozygotes.

Submissions (2):

Ambry Genetics
Classification: Uncertain significance. Last evaluated: 2025-08-06. Review status: criteria provided, single submitter. Criteria: Ambry Variant Classification Scheme 2023. Collection method: clinical testing. Allele origin: germline.

CeGaT Center for Human Genetics Tuebingen
Classification: Likely benign. Last evaluated: 2022-09-01. Review status: criteria provided, single submitter. Criteria: CeGaT Center For Human Genetics Tuebingen Variant Classification Criteria Version 2. Collection method: clinical testing. Allele origin: germline. Affected: yes. Observed: 1 variant allele.
Comment: STEAP3: BP4

NM_182915.3(STEAP3):c.106G>A (p.Asp36Asn)

Genes: STEAP3 (STEAP3 metalloreductase; plus strand), STEAP3-AS1 (STEAP3 antisense RNA 1; minus strand). Cytogenetic location: 2q14.2.
Variant type: single nucleotide variant.
Coding change: c.106G>A on transcript NM_182915.3 (MANE Select); coding-DNA position 106, G replaced by A.
Protein change: p.Asp36Asn; replaces aspartic acid 36 with asparagine.
Molecular consequence: missense variant. On other transcripts: non-coding transcript variant (1).
Genome position (GRCh38, 1-based): chr2:119,245,572, G>A. VCF-style: chr2-119245572-G-A. GRCh37 (hg19) VCF-style: chr2-120003148-G-A.
Other names: c.106G>A (NM_182915.2); c.76G>A, p.Asp26Asn (NM_001008410.2, NM_018234.3, NM_138637.3); short protein forms D26N, D36N.
Identifiers: ClinVar variation 2651297 (VCV002651297.25), dbSNP rs148260187, ClinGen allele CA1846516.